The following is an entry in ClinVar:

ClinVar aggregate classification (germline): Uncertain significance. Review status: criteria provided, multiple submitters, no conflicts (2 of 4 stars). 3 submissions from 3 submitters: Uncertain significance (3). Last evaluated 2026-01-05.

Conditions:
Hereditary cancer-predisposing syndrome. Also called: Hereditary neoplastic syndrome; Hereditary Cancer Syndrome; Neoplastic Syndromes, Hereditary; Tumor predisposition. Identifiers: Orphanet 140162, MedGen C0027672, MeSH D009386, MONDO:0015356.

Allele frequency attached by ClinVar (database versions not stated): TOPMed below 0.00001.
gnomAD v4.1: 1 of 1,613,946 alleles (0.000062%); highest among the groups gnomAD compares: Non-Finnish European, 0.000085%; no homozygotes.

Submissions (3):

Labcorp Genetics (formerly Invitae), Labcorp
Classification: Uncertain significance. Last evaluated: 2026-01-05. Review status: criteria provided, single submitter. Criteria: Invitae Variant Classification Sherloc (09022015). Collection method: clinical testing. Allele origin: germline.
Comment: This sequence change replaces arginine, which is basic and polar, with glycine, which is neutral and non-polar, at codon 884 of the CTNNA1 protein (p.Arg884Gly). This variant is not present in population databases (gnomAD no frequency). This variant has not been reported in the literature in individuals affected with CTNNA1-related conditions. ClinVar contains an entry for this variant (Variation ID: 940508). Invitae Evidence Modeling of protein sequence and biophysical properties (such as structural, functional, and spatial information, amino acid conservation, physicochemical variation, residue mobility, and thermodynamic stability) indicates that this missense variant is not expected to disrupt CTNNA1 protein function with a negative predictive value of 80%. In summary, the available evidence is currently insufficient to determine the role of this variant in disease. Therefore, it has been classified as a Variant of Uncertain Significance.

Ambry Genetics
Classification: Uncertain significance for Hereditary cancer-predisposing syndrome. Last evaluated: 2024-05-14. Review status: criteria provided, single submitter. Criteria: Ambry Variant Classification Scheme 2023. Collection method: clinical testing. Allele origin: germline.
Comment: The p.R884G variant (also known as c.2650C>G), located in coding exon 17 of the CTNNA1 gene, results from a C to G substitution at nucleotide position 2650. The arginine at codon 884 is replaced by glycine, an amino acid with dissimilar properties. This amino acid position is highly conserved in available vertebrate species. In addition, the in silico prediction for this alteration is inconclusive. The evidence for this gene-disease relationship is limited; therefore, the clinical significance of this alteration is unclear.

Blueprint Genetics
Classification: Uncertain significance. Last evaluated: 2021-04-20. Review status: criteria provided, single submitter. Criteria: ACMG Guidelines, 2015. Collection method: clinical testing. Allele origin: germline.

NM_001903.5(CTNNA1):c.2650C>G (p.Arg884Gly)

Gene: CTNNA1 (catenin alpha 1; plus strand). Cytogenetic location: 5q31.2.
Variant type: single nucleotide variant.
Coding change: c.2650C>G on transcript NM_001903.5 (MANE Select); coding-DNA position 2650, C replaced by G.
Protein change: p.Arg884Gly; replaces arginine 884 with glycine.
Molecular consequence: missense variant. On other transcripts: 3 prime UTR variant (5).
Genome position (GRCh38, 1-based): chr5:138,934,018, C>G. VCF-style: chr5-138934018-C-G. GRCh37 (hg19) VCF-style: chr5-138269707-C-G.
Other names: c.*195C>G (NM_001290307.3, NM_001324002.1, NM_001324003.1 and 2 more transcripts); c.2341C>G, p.Arg781Gly (NM_001290309.3); c.2281C>G, p.Arg761Gly (NM_001290310.3); c.1540C>G, p.Arg514Gly (NM_001290312.1, NM_001323987.1, NM_001323988.1 and 12 more transcripts); c.2650C>G, p.Arg884Gly (NM_001323982.2, NM_001323983.1, NM_001323984.2); c.2623C>G, p.Arg875Gly (NM_001323985.2); c.2557C>G, p.Arg853Gly (NM_001323986.2); c.1405C>G, p.Arg469Gly (NM_001324001.1); and 3 more; short protein forms R401G, R761G, R853G, R469G, R483G, R884G, R781G, R433G.
Identifiers: ClinVar variation 940508 (VCV000940508.12), dbSNP rs1290775003, ClinGen allele CA361135691.
Genomic context (GRCh38, chr5:138,934,018, plus strand): 5'-CCAGAGAAAAAGCCATTGGTGAAGAGAGAGAAACAGGATGAGACACAGACCAAGATTAAA[C>G]GGGCATCTCAGAAGAAGCACGTGAACCCGGTGCAGGCCCTCAGCGAGTTCAAAGCTATGG-3'
Protein context (NP_001894.2, residues 874-894): KQDETQTKIK[Arg884Gly]ASQKKHVNPV